The following is an entry in ClinVar:

NM_052867.4(NALCN):c.518G>A (p.Arg173Gln)

Gene: NALCN (sodium leak channel, non-selective; minus strand). Cytogenetic location: 13q33.1.
Variant type: single nucleotide variant.
Coding change: c.518G>A on transcript NM_052867.4 (MANE Select); coding-DNA position 518, G replaced by A.
Protein change: p.Arg173Gln; replaces arginine 173 with glutamine.
Molecular consequence: missense variant.
Genome position (GRCh38, 1-based): chr13:101,376,826, C>T on the plus strand (G>A on the coding strand, the complement: NALCN is on the minus strand). VCF-style: chr13-101376826-C-T. GRCh37 (hg19) VCF-style: chr13-102029177-C-T.
Other names: c.518G>A, p.Arg173Gln (NM_001350748.2, NM_001350749.2, NM_001350750.2 and 1 more transcripts); c.518G>A (NM_001350748.1, NM_052867.3); short protein forms R173Q.
Identifiers: ClinVar variation 1804551 (VCV001804551.6), dbSNP rs2548588794, ClinGen allele CA388705530.

ClinVar aggregate classification (germline): Pathogenic/Likely pathogenic. Review status: criteria provided, multiple submitters, no conflicts (2 of 4 stars). 5 submissions from 5 submitters: Pathogenic (2); Likely pathogenic (3). Last evaluated 2025-01-06.

Conditions:
NALCN-related disorder. Also called: NALCN-related condition; NALCN-related disorders.
Congenital contractures of the limbs and face, hypotonia, and developmental delay (CLIFAHDD). Identifiers: Orphanet 562528, MedGen C4225398, MONDO:0014556, OMIM 616266.

Submissions (5):

GeneDx
Classification: Pathogenic. Last evaluated: 2025-01-06. Review status: criteria provided, single submitter. Criteria: GeneDx Variant Classification Process June 2021. Collection method: clinical testing. Allele origin: germline.
Comment: Identified de novo in a patient with a developmental disorder who also harbored a de novo variant in the PHYHIP gene; additional clinical information was not provided (PMID: 31785789); Not observed at significant frequency in large population cohorts (gnomAD); In silico analysis supports that this missense variant has a deleterious effect on protein structure/function; This variant is associated with the following publications: (PMID: 33057194, 35982159, 31785789)

Greenwood Genetic Center Diagnostic Laboratories, Greenwood Genetic Center
Classification: Likely pathogenic for Congenital contractures of the limbs and face, hypotonia, and developmental delay. Last evaluated: 2023-02-07. Review status: criteria provided, single submitter. Criteria: ACMG Guidelines, 2015. Collection method: clinical testing. Allele origin: germline. Affected: yes.
Comment: PS2, PM2, PP2, PP3

Clinical Genetics Laboratory, Skane University Hospital Lund
Classification: Likely pathogenic. Last evaluated: 2022-05-27. Review status: criteria provided, single submitter. Criteria: ACMG Guidelines, 2015. Collection method: clinical testing. Allele origin: germline. Affected: yes.

Blueprint Genetics
Classification: Likely pathogenic for NALCN-related disorders. Last evaluated: 2021-03-02. Review status: criteria provided, single submitter. Criteria: ACMG Guidelines, 2015. Collection method: clinical testing. Allele origin: germline. Affected: yes. Observed: 1 variant allele.

Victorian Clinical Genetics Services, Murdoch Childrens Research Institute
Classification: Pathogenic for Congenital contractures of the limbs and face, hypotonia, and developmental delay. Last evaluated: 2020-07-02. Review status: criteria provided, single submitter. Criteria: ACMG Guidelines, 2015. Collection method: clinical testing. Allele origin: germline. Affected: yes.
Comment: Based on the classification scheme VCGS_Germline_v1.1.1, this variant is classified as pathogenic. Following criteria are met: 0103 - Both loss of function and gain of function are known mechanisms of disease for this gene. Loss of function variants result in lost current conductance, while suspected gain of function missense have greater current densities and slowed channel inactivation (PMID: 31409833). (N) 0104 - Dominant negative is a suspected mechanism of disease for this gene, where coexpression of missense and wildtype protein results in almost complete loss of protein (PMID: 25683120). (N) 0108 - This gene is known to be associated with both recessive and dominant disease. Biallelic loss of function variants cause recessive disease, while suspected dominant negative and gain of function missense cause dominant disease (PMID: 25683120, PMID: 30167850, PMID: 31409833). (N) 0200 - Variant is predicted to result in a missense amino acid change from arginine to glutamine (exon 6). However, this variant is close to the intron-exon junction and has a potential effect on splicing. (N) 0251 - Variant is heterozygous. (N) 0301 - Variant is absent from gnomAD. (P) 0501 - Missense variant consistently predicted to be damaging by multiple in silico tools or highly conserved with a major amino acid change. (P) 0508 – This nucleotide is highly conserved but in silico predictions do not predict abnormal splicing. (N) 0600 - Variant is located in an annotated domain or motif, (S5 segment of the ion transporter domain; PMID: 25683120). (N) 0705 - No comparable variants have previous evidence for pathogenicity. (N) 0802 - Moderate previous evidence of pathogenicity in a single de novo individual (Decipher). (P) 0905 - No segregation evidence has been identified for this variant. (N) 1007 - No published functional evidence has been identified for this variant. (N) 1102 - Strong phenotype match. (P) Legend: (P) - Pathogenic, (N) - Neutral, (B) - Benign

Literature cited by the submitters: PubMed 25683120 (cited by Victorian Clinical Genetics Services, Murdoch Childrens Research Institute); PubMed 30167850 (cited by Victorian Clinical Genetics Services, Murdoch Childrens Research Institute); PubMed 31409833 (cited by Victorian Clinical Genetics Services, Murdoch Childrens Research Institute).